The following is an entry in ClinVar:

NM_001099922.3(ALG13):c.71A>G (p.Asp24Gly)

Gene: ALG13 (ALG13 UDP-N-acetylglucosaminyltransferase subunit; plus strand). Cytogenetic location: Xq23.
Variant type: single nucleotide variant.
Coding change: c.71A>G on transcript NM_001099922.3 (MANE Select); coding-DNA position 71, A replaced by G.
Protein change: p.Asp24Gly; replaces aspartic acid 24 with glycine.
Molecular consequence: missense variant. On other transcripts: 5 prime UTR variant (9), non-coding transcript variant (3).
Genome position (GRCh38, 1-based): chrX:111,681,289, A>G. VCF-style: chrX-111681289-A-G. GRCh37 (hg19) VCF-style: chrX-110924517-A-G.
Other names: c.71A>G, p.Asp24Gly (NM_001039210.5, NM_001168385.3, NM_001324290.2 and 2 more transcripts); c.-138A>G (NM_001257230.2, NM_001324291.2); c.-230A>G (NM_001257231.2, NM_001257241.3); c.-263A>G (NM_001257234.2, NM_001257235.3); c.-367A>G (NM_001257237.2, NM_001257240.3, NM_001324293.1); short protein forms D24G.
Identifiers: ClinVar variation 4692545 (VCV004692545.1).

ClinVar aggregate classification (germline): Uncertain significance (1 of 4 stars; one submission).

Conditions:
Developmental and epileptic encephalopathy, 36 (DEE36). Also called: Congenital disorder of glycosylation, type Is; ALG13-CDG; Epileptic encephalopathy, early infantile, 36. Identifiers: Orphanet 324422, MedGen C4317295, MONDO:0010472, OMIM 300884.

Submission:

Labcorp Genetics (formerly Invitae), Labcorp
Classification: Uncertain significance for Developmental and epileptic encephalopathy, 36. Last evaluated: 2025-11-12. Review status: criteria provided, single submitter. Criteria: Invitae Variant Classification Sherloc (09022015). Collection method: clinical testing. Allele origin: germline.
Comment: This sequence change replaces aspartic acid, which is acidic and polar, with glycine, which is neutral and non-polar, at codon 24 of the ALG13 protein (p.Asp24Gly). This variant is not present in population databases (gnomAD no frequency). This variant has not been reported in the literature in individuals affected with ALG13-related conditions. Invitae Evidence Modeling of protein sequence and biophysical properties (such as structural, functional, and spatial information, amino acid conservation, physicochemical variation, residue mobility, and thermodynamic stability) indicates that this missense variant is not expected to disrupt ALG13 protein function with a negative predictive value of 95%. In summary, the available evidence is currently insufficient to determine the role of this variant in disease. Therefore, it has been classified as a Variant of Uncertain Significance.